The following is an entry in ClinVar:

ClinVar aggregate classification (germline): Uncertain significance (1 of 4 stars; one submission).

Submission:

Labcorp Genetics (formerly Invitae), Labcorp
Classification: Uncertain significance. Last evaluated: 2020-09-16. Review status: criteria provided, single submitter. Criteria: Invitae Variant Classification Sherloc (09022015). Collection method: clinical testing. Allele origin: germline.
Comment: In summary, the available evidence is currently insufficient to determine the role of this variant in disease. Therefore, it has been classified as a Variant of Uncertain Significance. Algorithms developed to predict the effect of missense changes on protein structure and function are either unavailable or do not agree on the potential impact of this missense change (SIFT: "Tolerated"; PolyPhen-2: "Probably Damaging"; Align-GVGD: "Class C0"). This sequence change replaces serine with arginine at codon 1653 of the EYS protein (p.Ser1653Arg). The serine residue is moderately conserved and there is a moderate physicochemical difference between serine and arginine. This variant is not present in population databases (ExAC no frequency). This variant has not been reported in the literature in individuals with EYS-related conditions.

NM_001142800.2(EYS):c.4957A>C (p.Ser1653Arg)

Gene: EYS (EGF-like photoreceptor maintenance factor; minus strand). Cytogenetic location: 6q12.
Variant type: single nucleotide variant.
Coding change: c.4957A>C on transcript NM_001142800.2 (MANE Select); coding-DNA position 4957, A replaced by C.
Protein change: p.Ser1653Arg; replaces serine 1653 with arginine.
Molecular consequence: missense variant.
Genome position (GRCh38, 1-based): chr6:64,590,910, T>G on the plus strand (A>C on the coding strand, the complement: EYS is on the minus strand). VCF-style: chr6-64590910-T-G. GRCh37 (hg19) VCF-style: chr6-65300803-T-G.
Other names: c.4957A>C, p.Ser1653Arg (NM_001292009.2); short protein forms S1653R.
Identifiers: ClinVar variation 1007711 (VCV001007711.8), dbSNP rs1182227113, ClinGen allele CA364782174.